The following is an entry in ClinVar:

NM_001267550.2(TTN):c.58728T>C (p.Arg19576=)

Genes: TTN (titin; minus strand), TTN-AS1 (TTN antisense RNA 1; plus strand). Cytogenetic location: 2q31.2.
Variant type: single nucleotide variant.
Coding change: c.58728T>C on transcript NM_001267550.2 (MANE Select); coding-DNA position 58728, T replaced by C.
Protein change: p.Arg19576=; no amino-acid change (arginine 19576 retained).
Molecular consequence: synonymous variant.
Genome position (GRCh38, 1-based): chr2:178,593,572, A>G on the plus strand (T>C on the coding strand, the complement: TTN is on the minus strand). VCF-style: chr2-178593572-A-G. GRCh37 (hg19) VCF-style: chr2-179458299-A-G.
Other names: c.51024T>C, p.Arg17008= (NM_133378.4); c.53805T>C, p.Arg17935= (NM_001256850.1); c.31533T>C, p.Arg10511= (NM_003319.4); c.31908T>C, p.Arg10636= (NM_133432.3); c.32109T>C, p.Arg10703= (NM_133437.4).
Identifiers: ClinVar variation 178831 (VCV000178831.6), dbSNP rs727504475, ClinGen allele CA183117.

ClinVar aggregate classification (germline): Likely benign. Review status: criteria provided, multiple submitters, no conflicts (2 of 4 stars). 2 submissions from 2 submitters: Likely benign (2). Last evaluated 2024-10-28.

Conditions:
Cardiovascular phenotype. Identifiers: MedGen CN230736.

gnomAD v4.1: 1 of 1,611,466 alleles (0.000062%); no homozygotes.

Submissions (2):

Ambry Genetics
Classification: Likely benign for Cardiovascular phenotype. Last evaluated: 2024-10-28. Review status: criteria provided, single submitter. Criteria: Ambry Variant Classification Scheme 2023. Collection method: clinical testing. Allele origin: germline.

Laboratory for Molecular Medicine, Mass General Brigham Personalized Medicine
Classification: Likely benign. Last evaluated: 2013-04-02. Review status: criteria provided, single submitter. Criteria: LMM Criteria. Collection method: clinical testing. Allele origin: germline. Observed: 1 variant allele.
Comment: Arg17008Arg in exon 247 of TTN: This variant is not expected to have clinical si gnificance because it does not alter an amino acid residue and is not located wi thin the splice consensus sequence. Arg17008Arg in exon 247 of TTN (allele fre quency = n/a)